The following is an entry in ClinVar:

NM_001122764.3(PPOX):c.1147_1148del (p.Val383fs)

Gene: PPOX (protoporphyrinogen oxidase; plus strand). Cytogenetic location: 1q23.3.
Variant type: Microsatellite.
Coding change: c.1147_1148del on transcript NM_001122764.3 (MANE Select); coding-DNA positions 1147 to 1148, 2 bases deleted (GT; older notation c.1147_1148delGT).
Protein change: p.Val383fs; shifts the reading frame from valine 383.
Molecular consequence: frameshift variant.
Genome position (GRCh38, 1-based): chr1:161,170,668-161,170,669, GT deleted; deleting any 2 consecutive bases within chr1:161,170,665-161,170,669 gives the same sequence; the c. name uses the placement nearest the transcript's 3' end. VCF-style (leftmost placement, unchanged base first): chr1-161170664-CTG-C. GRCh37 (hg19) VCF-style: chr1-161140454-CTG-C.
Other names: p.Val383Leufs*51; c.1147_1148del, p.Val383fs (NM_000309.5, NM_001365398.1); c.1048_1049del, p.Val350fs (NM_001350128.2); c.739_740del, p.Val247fs (NM_001350129.2, NM_001365400.1); c.661_662del, p.Val221fs (NM_001350130.2, NM_001350131.2, NM_001365401.1); c.1036_1037del, p.Val346fs (NM_001365399.1); short protein forms V221fs, V247fs, V346fs, V350fs, V383fs.
Identifiers: ClinVar variation 1074450 (VCV001074450.12), dbSNP rs2101901339, ClinGen allele CA2580611503.

ClinVar aggregate classification (germline): Pathogenic. Review status: criteria provided, multiple submitters, no conflicts (2 of 4 stars). 3 submissions from 3 submitters: Pathogenic (3). Last evaluated 2025-10-08.

Conditions:
PPOX-related disorder. Also called: PPOX-related condition.

Submissions (3):

Labcorp Genetics (formerly Invitae), Labcorp
Classification: Pathogenic. Last evaluated: 2025-10-08. Review status: criteria provided, single submitter. Criteria: Invitae Variant Classification Sherloc (09022015). Collection method: clinical testing. Allele origin: germline.
Comment: This sequence change creates a premature translational stop signal (p.Val383Leufs*51) in the PPOX gene. While this is not anticipated to result in nonsense mediated decay, it is expected to disrupt the last 95 amino acid(s) of the PPOX protein. This variant is not present in population databases (gnomAD no frequency). This premature translational stop signal has been observed in individual(s) with features of porphyria (PMID: 9540990). This variant is also known as c.1144delGT. This variant disrupts a region of the PPOX protein in which other variant(s) (p.Gln435*) have been determined to be pathogenic (PMID: 10486317). This suggests that this is a clinically significant region of the protein, and that variants that disrupt it are likely to be disease-causing. For these reasons, this variant has been classified as Pathogenic.

Mayo Clinic Laboratories, Mayo Clinic
Classification: Pathogenic. Last evaluated: 2025-05-06. Review status: criteria provided, single submitter. Criteria: ACMG Guidelines, 2015. Collection method: clinical testing. Allele origin: germline. Observed: 2 variant alleles.
Comment: PP4, PM2_supporting, PVS1

Blueprint Genetics
Classification: Pathogenic for PPOX-related disorders. Last evaluated: 2024-09-20. Review status: criteria provided, single submitter. Criteria: ACMG Guidelines, 2015. Collection method: clinical testing. Allele origin: germline. Affected: yes. Observed: 1 variant allele.

Literature cited by the submitters: PubMed 9540990 (cited by Labcorp Genetics (formerly Invitae), Labcorp and Mayo Clinic Laboratories, Mayo Clinic); PubMed 10486317 (cited by Labcorp Genetics (formerly Invitae), Labcorp and Mayo Clinic Laboratories, Mayo Clinic).